The following is an entry in ClinVar:

NM_000093.5(COL5A1):c.271T>A (p.Tyr91Asn)

Gene: COL5A1 (collagen type V alpha 1 chain; plus strand). Cytogenetic location: 9q34.3.
Variant type: single nucleotide variant.
Coding change: c.271T>A on transcript NM_000093.5 (MANE Select); coding-DNA position 271, T replaced by A.
Protein change: p.Tyr91Asn; replaces tyrosine 91 with asparagine.
Molecular consequence: missense variant.
Genome position (GRCh38, 1-based): chr9:134,691,073, T>A. VCF-style: chr9-134691073-T-A. GRCh37 (hg19) VCF-style: chr9-137582919-T-A.
Other names: c.271T>A, p.Tyr91Asn (NM_001278074.1); short protein forms Y91N.
Identifiers: ClinVar variation 4709261 (VCV004709261.1).

ClinVar aggregate classification (germline): Uncertain significance (1 of 4 stars; one submission).

Conditions:
Ehlers-Danlos syndrome, classic type, 1 (EDSCL1). Also called: EHLERS-DANLOS SYNDROME, GRAVIS TYPE; EHLERS-DANLOS SYNDROME, SEVERE CLASSIC TYPE; Ehlers-Danlos syndrome, type 1; Ehlers-Danlos Syndrome, Classic Type, COL5A1-Related; EDS I. Identifiers: MedGen C0268335, MONDO:0019567, OMIM 130000.

Submission:

Labcorp Genetics (formerly Invitae), Labcorp
Classification: Uncertain significance for Ehlers-Danlos syndrome, classic type, 1. Last evaluated: 2026-01-21. Review status: criteria provided, single submitter. Criteria: Invitae Variant Classification Sherloc (09022015). Collection method: clinical testing. Allele origin: germline.
Comment: This sequence change replaces tyrosine, which is neutral and polar, with asparagine, which is neutral and polar, at codon 91 of the COL5A1 protein (p.Tyr91Asn). This variant is not present in population databases (gnomAD no frequency). This variant has not been reported in the literature in individuals affected with COL5A1-related conditions. Invitae Evidence Modeling of protein sequence and biophysical properties (such as structural, functional, and spatial information, amino acid conservation, physicochemical variation, residue mobility, and thermodynamic stability) indicates that this missense variant is not expected to disrupt COL5A1 protein function with a negative predictive value of 95%. In summary, the available evidence is currently insufficient to determine the role of this variant in disease. Therefore, it has been classified as a Variant of Uncertain Significance.